The following is an entry in ClinVar:

ClinVar aggregate classification (germline): Uncertain significance (1 of 4 stars; one submission).

Conditions:
Tuberous sclerosis syndrome (TSC). Also called: Tuberous Sclerosis Complex; Tuberous sclerosis. Identifiers: Orphanet 805, MedGen C0041341, MONDO:0001734.

Submission:

All of Us Research Program, National Institutes of Health
Classification: Uncertain significance for Tuberous sclerosis syndrome. Last evaluated: 2024-07-29. Review status: criteria provided, single submitter. Criteria: ACMG Guidelines, 2015. Collection method: clinical testing. Allele origin: germline. Inheritance: Autosomal dominant inheritance. Observed: 1 variant allele, 1 heterozygote.
Comment: This missense variant replaces glutamic acid with alanine at codon 392 of the TSC2 protein. Computational prediction suggests that this variant may have deleterious impact on protein structure and function (internally defined REVEL score threshold >= 0.7, PMID: 27666373). To our knowledge, functional studies have not been reported for this variant. This variant has not been reported in individuals affected with TSC2-related disorders in the literature. This variant has not been identified in the general population by the Genome Aggregation Database (gnomAD). The available evidence is insufficient to determine the role of this variant in disease conclusively. Therefore, this variant is classified as a Variant of Uncertain Significance.

This study involves interpretation of variants in research participants for the purpose of population health screening. Participant phenotype was not available at the time of variant classification. Additional details can be found in publication PMID: 35346344, PMCID: PMC8962531

NM_000548.5(TSC2):c.1175A>C (p.Glu392Ala)

Gene: TSC2 (TSC complex subunit 2; plus strand). Cytogenetic location: 16p13.3.
Variant type: single nucleotide variant.
Coding change: c.1175A>C on transcript NM_000548.5 (MANE Select); coding-DNA position 1175, A replaced by C.
Protein change: p.Glu392Ala; replaces glutamic acid 392 with alanine.
Molecular consequence: missense variant. On other transcripts: 5 prime UTR variant (10), non-coding transcript variant (5).
Genome position (GRCh38, 1-based): chr16:2,061,926, A>C. VCF-style: chr16-2061926-A-C. GRCh37 (hg19) VCF-style: chr16-2111927-A-C.
Other names: c.1175A>C, p.Glu392Ala (NM_001370404.1, NM_001370405.1, NM_021055.3 and 6 more transcripts); c.1118A>C, p.Glu373Ala (NM_001406677.1); c.1064A>C, p.Glu355Ala (NM_001406678.1, NM_001406670.1, NM_001318827.2); c.1028A>C, p.Glu343Ala (NM_001406679.1, NM_001406675.1, NM_001406676.1 and 1 more transcripts); c.575A>C, p.Glu192Ala (NM_001406680.1, NM_001406682.1, NM_001406683.1 and 6 more transcripts); c.713A>C, p.Glu238Ala (NM_001406681.1); c.-170A>C (NM_001406689.1, NM_001406690.1, NM_001406691.1 and 4 more transcripts); c.-138A>C (NM_001406694.1, NM_001406695.1); and 4 more; short protein forms E192A, E238A, E343A, E355A, E373A, E388A, E392A, E403A.
Identifiers: ClinVar variation 3386160 (VCV003386160.1).